The following is an entry in ClinVar:

ClinVar aggregate classification (germline): Uncertain significance (1 of 4 stars; one submission).

Conditions:
Nemaline myopathy 2 (NEM2). Also called: Nemaline myopathy 2, autosomal recessive. Identifiers: MedGen C1850569, MONDO:0009725, OMIM 256030.

Allele frequency attached by ClinVar (database versions not stated): TOPMed below 0.00001.

Submission:

Labcorp Genetics (formerly Invitae), Labcorp
Classification: Uncertain significance for Nemaline myopathy 2. Last evaluated: 2021-09-28. Review status: criteria provided, single submitter. Criteria: Invitae Variant Classification Sherloc (09022015). Collection method: clinical testing. Allele origin: germline.
Comment: This sequence change replaces tryptophan with cysteine at codon 3360 of the NEB protein (p.Trp3360Cys). The tryptophan residue is moderately conserved and there is a large physicochemical difference between tryptophan and cysteine. This variant is not present in population databases (ExAC no frequency). This variant has not been reported in the literature in individuals affected with NEB-related conditions. Algorithms developed to predict the effect of missense changes on protein structure and function are either unavailable or do not agree on the potential impact of this missense change (SIFT: "Deleterious"; PolyPhen-2: "Not Available"; Align-GVGD: "Class C0"). Algorithms developed to predict the effect of sequence changes on RNA splicing suggest that this variant may create or strengthen a splice site. In summary, the available evidence is currently insufficient to determine the role of this variant in disease. Therefore, it has been classified as a Variant of Uncertain Significance.

NM_001164508.2(NEB):c.10080G>T (p.Trp3360Cys)

Gene: NEB (nebulin; minus strand). Cytogenetic location: 2q23.3.
Variant type: single nucleotide variant.
Coding change: c.10080G>T on transcript NM_001164508.2 (MANE Select); coding-DNA position 10080, G replaced by T.
Protein change: p.Trp3360Cys; replaces tryptophan 3360 with cysteine.
Molecular consequence: missense variant.
Genome position (GRCh38, 1-based): chr2:151,627,586, C>A on the plus strand (G>T on the coding strand, the complement: NEB is on the minus strand). VCF-style: chr2-151627586-C-A. GRCh37 (hg19) VCF-style: chr2-152484100-C-A.
Other names: c.10080G>T, p.Trp3360Cys (NM_001164507.2, NM_001271208.2); c.9351G>T, p.Trp3117Cys (NM_004543.5); short protein forms W3360C, W3117C.
Identifiers: ClinVar variation 660781 (VCV000660781.4), dbSNP rs1574278301, ClinGen allele CA348794439.